The following is an entry in ClinVar:

NC_000009.11:g.(?_6565334)_(6565449_?)dup

Gene: GLDC (glycine decarboxylase; minus strand). Cytogenetic location: 9p24.1.
Variant type: Duplication.
Identifiers: ClinVar variation 462849 (VCV000462849.10).

ClinVar aggregate classification (germline): Pathogenic (1 of 4 stars; one submission).

Conditions:
Glycine encephalopathy. Also called: Nonketotic hyperglycinemia; Non-ketotic hyperglycinemia. Identifiers: Orphanet 407, MedGen C0751748, MONDO:0011612, HP:0008288.

Submission:

Labcorp Genetics (formerly Invitae), Labcorp
Classification: Pathogenic for Glycine encephalopathy. Last evaluated: 2017-07-18. Review status: criteria provided, single submitter. Criteria: Invitae Variant Classification Sherloc (09022015). Collection method: clinical testing. Allele origin: germline.
Comment: For these reasons, this variant has been classified as Pathogenic. Loss-of-function variants in GLDC are known to be pathogenic (PMID: 16601880, 16450403). Sub-genic duplications are generally in tandem (PMID: 25640679), and result in an absent or disrupted protein. This variant has not been reported in the literature in individuals with a GLDC-related disease. This variant is a gross duplication of the genomic region encompassing exon 16 of the GLDC gene. While the exact position of the duplicated exon cannot be determined from this data, the duplicated copy of this region is likely in tandem and may result in an absent or disrupted protein product.

Literature cited by the submitters: PubMed 16601880; PubMed 16450403; PubMed 25640679.